The following is an entry in ClinVar:

NM_000459.5(TEK):c.*536C>T

Gene: TEK (TEK receptor tyrosine kinase; plus strand). Cytogenetic location: 9p21.2.
Variant type: single nucleotide variant.
Coding change: c.*536C>T on transcript NM_000459.5 (MANE Select); 536 bases downstream of the stop codon, C replaced by T.
Molecular consequence: 3 prime UTR variant.
Genome position (GRCh38, 1-based): chr9:27,229,768, C>T. VCF-style: chr9-27229768-C-T. GRCh37 (hg19) VCF-style: chr9-27229766-C-T.
Other names: c.*536C>T (NM_001290077.2, NM_001290078.2, NM_001375475.1 and 1 more transcripts).
Identifiers: ClinVar variation 366468 (VCV000366468.5), dbSNP rs535524868, ClinGen allele CA10627165.

ClinVar aggregate classification (germline): Benign (1 of 4 stars; one submission).

Conditions:
Multiple cutaneous and mucosal venous malformations (VMCM). Also called: TEK-Related Multiple Cutaneous and Mucosal Venous Malformations (VMCM). Identifiers: Orphanet 2451, MedGen C1838437, MONDO:0010842, OMIM 600195.

Allele frequency attached by ClinVar (database versions not stated): gnomAD exomes 0.00118; 1000 Genomes Project 30x 0.00281; gnomAD 0.00044 and 0.00001; 1000 Genomes Project 0.00359; TOPMed 0.00008.
gnomAD v4.1: 80 of 164,658 alleles (0.049%); highest among the groups gnomAD compares: South Asian, 1.2%; 1 homozygote.

Submission:

Illumina Laboratory Services, Illumina
Classification: Benign for Multiple cutaneous and mucosal venous malformations. Last evaluated: 2018-01-12. Review status: criteria provided, single submitter. Criteria: ICSL Variant Classification Criteria 13 December 2019. Collection method: clinical testing. Allele origin: germline.
Comment: This variant was observed in the ICSL laboratory as part of a predisposition screen in an ostensibly healthy population. It had not been previously curated by ICSL or reported in the Human Gene Mutation Database (HGMD: prior to June 1st, 2018), and was therefore a candidate for classification through an automated scoring system. Utilizing variant allele frequency, disease prevalence and penetrance estimates, and inheritance mode, an automated score was calculated to assess if this variant is too frequent to cause the disease. Based on the score and internal cut-off values, a variant classified as benign is not then subjected to further curation. The score for this variant resulted in a classification of benign for this disease.